The following is an entry in ClinVar:

NM_181882.3(PRX):c.3587G>C (p.Gly1196Ala)

Gene: PRX (periaxin; minus strand). Cytogenetic location: 19q13.2.
Variant type: single nucleotide variant.
Coding change: c.3587G>C on transcript NM_181882.3 (MANE Select); coding-DNA position 3587, G replaced by C.
Protein change: p.Gly1196Ala; replaces glycine 1196 with alanine.
Molecular consequence: missense variant. On other transcripts: 3 prime UTR variant (1).
Genome position (GRCh38, 1-based): chr19:40,394,765, C>G on the plus strand (G>C on the coding strand, the complement: PRX is on the minus strand). VCF-style: chr19-40394765-C-G. GRCh37 (hg19) VCF-style: chr19-40900672-C-G.
Other names: c.*3792G>C (NM_020956.2); short protein forms G1196A.
Identifiers: ClinVar variation 1482116 (VCV001482116.3), dbSNP rs199640290, ClinGen allele CA9443827.

ClinVar aggregate classification (germline): Uncertain significance (1 of 4 stars; one submission).

Conditions:
Charcot-Marie-Tooth disease type 4. Also called: Charcot-Marie-Tooth disease, type IV; Charcot-Marie-Tooth, Type 4. Identifiers: Orphanet 64749, MedGen C4082197, MONDO:0018995.

Allele frequency attached by ClinVar (database versions not stated): TOPMed below 0.00001; ExAC 0.00001; gnomAD exomes 0.00001; gnomAD 0.00003; 1000 Genomes Project 30x 0.00016; 1000 Genomes Project 0.00020.
gnomAD v4.1: 11 of 1,613,702 alleles (0.00068%); highest among the groups gnomAD compares: East Asian, 0.0022%; no homozygotes.

Submission:

Labcorp Genetics (formerly Invitae), Labcorp
Classification: Uncertain significance for Charcot-Marie-Tooth disease type 4. Last evaluated: 2021-11-09. Review status: criteria provided, single submitter. Criteria: Invitae Variant Classification Sherloc (09022015). Collection method: clinical testing. Allele origin: germline.
Comment: This sequence change replaces glycine, which is neutral and non-polar, with alanine, which is neutral and non-polar, at codon 1196 of the PRX protein (p.Gly1196Ala). This variant is present in population databases (rs199640290, gnomAD 0.005%). This variant has not been reported in the literature in individuals affected with PRX-related conditions. Algorithms developed to predict the effect of missense changes on protein structure and function (SIFT, PolyPhen-2, Align-GVGD) all suggest that this variant is likely to be tolerated. In summary, the available evidence is currently insufficient to determine the role of this variant in disease. Therefore, it has been classified as a Variant of Uncertain Significance.